The following is an entry in ClinVar:

ClinVar aggregate classification (germline): Uncertain significance (1 of 4 stars; one submission).

Conditions:
Spastic paraplegia. Identifiers: MedGen C0037772, HP:0001258.

Submission:

Labcorp Genetics (formerly Invitae), Labcorp
Classification: Uncertain significance for Spastic paraplegia. Last evaluated: 2024-01-08. Review status: criteria provided, single submitter. Criteria: Invitae Variant Classification Sherloc (09022015). Collection method: clinical testing. Allele origin: germline.
Comment: This sequence change replaces valine, which is neutral and non-polar, with methionine, which is neutral and non-polar, at codon 824 of the AP4E1 protein (p.Val824Met). This variant is not present in population databases (gnomAD no frequency). This variant has not been reported in the literature in individuals affected with AP4E1-related conditions. Algorithms developed to predict the effect of missense changes on protein structure and function output the following: SIFT: "Not Available"; PolyPhen-2: "Benign"; Align-GVGD: "Not Available". The methionine amino acid residue is found in multiple mammalian species, which suggests that this missense change does not adversely affect protein function. In summary, the available evidence is currently insufficient to determine the role of this variant in disease. Therefore, it has been classified as a Variant of Uncertain Significance.

NM_007347.5(AP4E1):c.2470G>A (p.Val824Met)

Gene: AP4E1 (adaptor related protein complex 4 subunit epsilon 1; plus strand). Cytogenetic location: 15q21.2.
Variant type: single nucleotide variant.
Coding change: c.2470G>A on transcript NM_007347.5 (MANE Select); coding-DNA position 2470, G replaced by A.
Protein change: p.Val824Met; replaces valine 824 with methionine.
Molecular consequence: missense variant.
Genome position (GRCh38, 1-based): chr15:50,997,449, G>A. VCF-style: chr15-50997449-G-A. GRCh37 (hg19) VCF-style: chr15-51289646-G-A.
Other names: c.2245G>A, p.Val749Met (NM_001252127.2); short protein forms V749M, V824M.
Identifiers: ClinVar variation 2708227 (VCV002708227.3), dbSNP rs2504924777, ClinGen allele CA392420033.
Genomic context (GRCh38, chr15:50,997,449, plus strand): 5'-AGTGGCGAAACAACCAGTACTCATAATATGACCTGTTCTTCCTTTAGTTCTTTGTCAAAT[G>A]TGGCATATGAAGATGATTATTATTCGAATACTTTGCACGATACAGGAGACAAGGAATTAA-3'
Protein context (NP_031373.2, residues 814-834): TCSSFSSLSN[Val824Met]AYEDDYYSNT